The following is an entry in ClinVar:

NM_001270.4(CHD1):c.4855T>C (p.Leu1619=)

Gene: CHD1 (chromodomain helicase DNA binding protein 1; minus strand). Cytogenetic location: 5q15.
Variant type: single nucleotide variant.
Coding change: c.4855T>C on transcript NM_001270.4 (MANE Select); coding-DNA position 4855, T replaced by C.
Protein change: p.Leu1619=; no amino-acid change (leucine 1619 retained).
Molecular consequence: synonymous variant. On other transcripts: non-coding transcript variant (2).
Genome position (GRCh38, 1-based): chr5:98,856,658, A>G on the plus strand (T>C on the coding strand, the complement: CHD1 is on the minus strand). VCF-style: chr5-98856658-A-G. GRCh37 (hg19) VCF-style: chr5-98192362-A-G.
Other names: c.5119T>C, p.Leu1707= (NM_001364113.3); c.4855T>C, p.Leu1619= (NM_001376194.2).
Identifiers: ClinVar variation 787038 (VCV000787038.6), dbSNP rs61749619, ClinGen allele CA3355548.

ClinVar aggregate classification (germline): Benign. Review status: criteria provided, single submitter (1 of 4 stars). 2 submissions from 2 submitters: Benign (1). 1 of the submissions does not count toward it. Last evaluated 2019-12-31.

Conditions:
CHD1-related disorder. Also called: CHD1-related condition.

Allele frequency attached by ClinVar (database versions not stated): gnomAD exomes 0.00216 and 0.00594; ExAC 0.00720; gnomAD 0.02217 and 0.02398; 1000 Genomes Project 0.02296; 1000 Genomes Project 30x 0.02405; TOPMed 0.02536; ESP Exome Variant Server 0.02722.
gnomAD v4.1: 6,653 of 1,613,652 alleles (0.41%); highest among the groups gnomAD compares: African/African-American, 7.9%; 218 homozygotes.

Submissions (2):

Labcorp Genetics (formerly Invitae), Labcorp
Classification: Benign. Last evaluated: 2019-12-31. Review status: criteria provided, single submitter. Criteria: Invitae Variant Classification Sherloc (09022015). Collection method: clinical testing. Allele origin: germline.

PreventionGenetics, part of Exact Sciences
Classification: Likely benign for CHD1-related condition. Last evaluated: 2019-11-26. Review status: no assertion criteria provided. Collection method: clinical testing. Allele origin: germline. Not counted in ClinVar's aggregate classification.
Comment: This variant is classified as likely benign based on ACMG/AMP sequence variant interpretation guidelines (Richards et al. 2015 PMID: 25741868, with internal and published modifications).